The following is an entry in ClinVar:

NM_022725.4(FANCF):c.658G>T (p.Glu220Ter)

Gene: FANCF (FA complementation group F; minus strand). Cytogenetic location: 11p14.3.
Variant type: single nucleotide variant.
Coding change: c.658G>T on transcript NM_022725.4 (MANE Select); coding-DNA position 658, G replaced by T.
Protein change: p.Glu220Ter; replaces glutamic acid 220 with a stop codon.
Molecular consequence: nonsense.
Genome position (GRCh38, 1-based): chr11:22,625,153, C>A on the plus strand (G>T on the coding strand, the complement: FANCF is on the minus strand). VCF-style: chr11-22625153-C-A. GRCh37 (hg19) VCF-style: chr11-22646699-C-A.
Other names: short protein forms E220*.
Identifiers: ClinVar variation 2675560 (VCV002675560.4), dbSNP rs2133797177, ClinGen allele CA380058595.

ClinVar aggregate classification (germline): Pathogenic/Likely pathogenic. Review status: criteria provided, multiple submitters, no conflicts (2 of 4 stars). 2 submissions from 2 submitters: Pathogenic (1); Likely pathogenic (1). Last evaluated 2023-10-13.

Conditions:
Fanconi anemia (FA). Also called: Fanconi's anemia. Identifiers: Orphanet 84, MedGen C0015625, MeSH D005199, MONDO:0019391.
Fanconi anemia complementation group F. Also called: FANCF-Related Fanconi Anemia. Identifiers: Orphanet 84, MedGen C3469526, MONDO:0011325, OMIM 603467.

Submissions (2):

Labcorp Genetics (formerly Invitae), Labcorp
Classification: Pathogenic for Fanconi anemia. Last evaluated: 2023-10-13. Review status: criteria provided, single submitter. Criteria: Invitae Variant Classification Sherloc (09022015). Collection method: clinical testing. Allele origin: germline.
Comment: This sequence change creates a premature translational stop signal (p.Glu220*) in the FANCF gene. While this is not anticipated to result in nonsense mediated decay, it is expected to disrupt the last 155 amino acid(s) of the FANCF protein. This variant is not present in population databases (gnomAD no frequency). This variant has not been reported in the literature in individuals affected with FANCF-related conditions. This variant disrupts a region of the FANCF protein in which other variant(s) (p.Gly233Glufs*32) have been determined to be pathogenic (PMID: 11063725, 12649160, 27714961). This suggests that this is a clinically significant region of the protein, and that variants that disrupt it are likely to be disease-causing. For these reasons, this variant has been classified as Pathogenic.

Baylor Genetics
Classification: Likely pathogenic for Fanconi anemia complementation group F. Last evaluated: 2023-06-29. Review status: criteria provided, single submitter. Criteria: ACMG Guidelines, 2015. Collection method: clinical testing. Allele origin: unknown.

Literature cited by the submitters: PubMed 11063725 (cited by Labcorp Genetics (formerly Invitae), Labcorp); PubMed 12649160 (cited by Labcorp Genetics (formerly Invitae), Labcorp); PubMed 27714961 (cited by Labcorp Genetics (formerly Invitae), Labcorp).